The following is an entry in ClinVar:

ClinVar aggregate classification (germline): Uncertain significance (1 of 4 stars; one submission).

Submission:

Labcorp Genetics (formerly Invitae), Labcorp
Classification: Uncertain significance. Last evaluated: 2025-02-13. Review status: criteria provided, single submitter. Criteria: Invitae Variant Classification Sherloc (09022015). Collection method: clinical testing. Allele origin: germline.
Comment: This sequence change replaces glycine, which is neutral and non-polar, with arginine, which is basic and polar, at codon 263 of the CHD8 protein (p.Gly263Arg). This variant is not present in population databases (gnomAD no frequency). This variant has not been reported in the literature in individuals affected with CHD8-related conditions. Invitae Evidence Modeling of protein sequence and biophysical properties (such as structural, functional, and spatial information, amino acid conservation, physicochemical variation, residue mobility, and thermodynamic stability) indicates that this missense variant is not expected to disrupt CHD8 protein function with a negative predictive value of 95%. In summary, the available evidence is currently insufficient to determine the role of this variant in disease. Therefore, it has been classified as a Variant of Uncertain Significance.

NM_001170629.2(CHD8):c.787G>A (p.Gly263Arg)

Gene: CHD8 (chromodomain helicase DNA binding protein 8; minus strand). Cytogenetic location: 14q11.2.
Variant type: single nucleotide variant.
Coding change: c.787G>A on transcript NM_001170629.2 (MANE Select); coding-DNA position 787, G replaced by A.
Protein change: p.Gly263Arg; replaces glycine 263 with arginine.
Molecular consequence: missense variant. On other transcripts: intron variant (1).
Genome position (GRCh38, 1-based): chr14:21,430,857, C>T on the plus strand (G>A on the coding strand, the complement: CHD8 is on the minus strand). VCF-style: chr14-21430857-C-T. GRCh37 (hg19) VCF-style: chr14-21899016-C-T.
Other names: c.6+954G>A (NM_020920.4); short protein forms G263R.
Identifiers: ClinVar variation 4742266 (VCV004742266.1).